The following is an entry in ClinVar:

NM_001034853.2(RPGR):c.128G>A (p.Gly43Glu)

Gene: RPGR (retinitis pigmentosa GTPase regulator; minus strand). Cytogenetic location: Xp11.4.
Variant type: single nucleotide variant.
Coding change: c.128G>A on transcript NM_001034853.2 (MANE Select); coding-DNA position 128, G replaced by A.
Protein change: p.Gly43Glu; replaces glycine 43 with glutamic acid.
Molecular consequence: missense variant. On other transcripts: non-coding transcript variant (6).
Genome position (GRCh38, 1-based): chrX:38,323,425, C>T on the plus strand (G>A on the coding strand, the complement: RPGR is on the minus strand). VCF-style: chrX-38323425-C-T. GRCh37 (hg19) VCF-style: chrX-38182678-C-T.
Other names: NM_001034853.2(RPGR):c.128G>A; c.128G>A, p.Gly43Glu (NM_000328.3, NM_001367245.1, NM_001367246.1 and 4 more transcripts); c.158G>A, p.Gly53Glu (NM_001367248.1); short protein forms G43E, G53E.
Identifiers: ClinVar variation 98736 (VCV000098736.5), dbSNP rs62638630, ClinGen allele CA226352.

ClinVar aggregate classification (germline): Uncertain significance. Review status: reviewed by expert panel (3 of 4 stars). 3 submissions from 3 submitters: Uncertain significance (1). 2 of the submissions do not count toward it. Last evaluated 2026-01-25.

Conditions:
RPGR-related retinopathy. Also called: RPGR retinopathy. Identifiers: MedGen CN305589, MONDO:0100437.
Primary ciliary dyskinesia. Also called: Ciliary dyskinesia. Identifiers: Orphanet 244, MedGen C0008780, MONDO:0016575, HP:0012265.

Submissions (3):

ClinGen X-linked Inherited Retinal Disease Variant Curation Expert Panel, ClinGen
Classification: Uncertain significance for RPGR-related retinopathy. Last evaluated: 2026-01-25. Review status: reviewed by expert panel. Criteria: ClinGen X LinkedIRD ACMG Specifications RPGR V1.0.0. Collection method: curation. Allele origin: germline. Inheritance: X-linked inheritance.
Comment: NM_001034853.2(RPGR):c.128G>A (p.Gly43Glu) is a missense variant encoding the substitution of glycine with glutamic acid at amino acid 43. This variant is absent from hemizygous individuals in gnomAD v4.1.0 (PM2_Supporting). This variant has been reported in at least 1 proband meeting the PS4 requirement of some functional vision impairment in affected males by age 30 years, and/or decreased or absent electroretinogram responses (PMID: 10937588). However, PS4_Supporting requires at least 2 unrelated probands, so this criterion was not met. The proband phenotype included diagnosis of retinitis pigmentosa, a family history consistent with X-linked inheritance (2 pts), reduced visual acuity (0.5 pts), visual field constriction (0.5 pts), moderate myopia (0.5 pts), and non-recordable electroretinogram responses, which together are not sufficiently specific for RPGR-related retinopathy to meet PP4 (3.5 points, PMID: 10937588, PMID: 17325176). The variant has been reported within a family with multiple family members genotyped, however, no individuals were affected other than the proband, so PP1 was not met (PMID: 10937588). The computational predictor REVEL gives a score of 0.925, which is between the ClinGen X-linked IRD VCEP threshold of 0.773 to 0.931 and predicts a damaging effect on RPGR function (PP3_Moderate). The computational splicing predictor SpliceAI gives a delta score of 0.01 for acceptor gain, which is below the ClinGen X-linked IRD VCEP threshold of >0.2 and does not predict that the variant disrupts RPGR splicing. Exogenously expressed RPGR harboring the variant exhibits reduced interaction with RPGRIP1 in a yeast-2-hybrid experiment (PMID: 23213406, PS3_Supporting). In summary, this variant is classified as a variant of uncertain significance for RPGR-related retinopathy based on the ClinGen X-linked Inherited Retinal Disease Expert Panel Specifications to the ACMG/AMP Variant Interpretation Guidelines for RPGR Version 1.0.0; PM2_Supporting, PP3_Moderate, and PS3_Supporting.

Labcorp Genetics (formerly Invitae), Labcorp
Classification: Pathogenic for Primary ciliary dyskinesia. Last evaluated: 2025-08-18. Review status: criteria provided, single submitter. Criteria: Invitae Variant Classification Sherloc (09022015). Collection method: clinical testing. Allele origin: germline. Not counted in ClinVar's aggregate classification.
Comment: This sequence change replaces glycine, which is neutral and non-polar, with glutamic acid, which is acidic and polar, at codon 43 of the RPGR protein (p.Gly43Glu). This variant is not present in population databases (gnomAD no frequency). This missense change has been observed in individuals with clinical features of X-linked recessive retinitis pigmentosa (PMID: 10937588; internal data). ClinVar contains an entry for this variant (Variation ID: 98736). Invitae Evidence Modeling of protein sequence and biophysical properties (such as structural, functional, and spatial information, amino acid conservation, physicochemical variation, residue mobility, and thermodynamic stability) indicates that this missense variant is expected to disrupt RPGR protein function with a positive predictive value of 95%. Experimental studies have shown that this missense change affects RPGR function (PMID: 23213406, 30622176). This variant disrupts the p.Gly43 amino acid residue in RPGR. Other variant(s) that disrupt this residue have been observed in individuals with RPGR-related conditions (PMID: 10937588), which suggests that this may be a clinically significant amino acid residue. For these reasons, this variant has been classified as Pathogenic.

Retina International
No classification provided. Review status: no classification provided. Collection method: not provided. Allele origin: not provided. Not counted in ClinVar's aggregate classification.

Literature cited by the submitters: PubMed 10937588 (cited by Labcorp Genetics (formerly Invitae), Labcorp); PubMed 23213406 (cited by Labcorp Genetics (formerly Invitae), Labcorp); PubMed 30622176 (cited by Labcorp Genetics (formerly Invitae), Labcorp).